The following is an entry in ClinVar:

ClinVar aggregate classification (germline): Uncertain significance. Review status: criteria provided, multiple submitters, no conflicts (2 of 4 stars). 3 submissions from 3 submitters: Uncertain significance (3). Last evaluated 2025-08-10.

Conditions:
Inborn genetic diseases. Identifiers: MedGen C0950123, MeSH D030342.
Primary ciliary dyskinesia. Also called: Ciliary dyskinesia. Identifiers: Orphanet 244, MedGen C0008780, MONDO:0016575, HP:0012265.

Allele frequency attached by ClinVar (database versions not stated): ExAC 0.00001; gnomAD 0.00001; gnomAD exomes 0.00001; TOPMed 0.00001.

Submissions (3):

Labcorp Genetics (formerly Invitae), Labcorp
Classification: Uncertain significance for Primary ciliary dyskinesia. Last evaluated: 2025-08-10. Review status: criteria provided, single submitter. Criteria: Invitae Variant Classification Sherloc (09022015). Collection method: clinical testing. Allele origin: germline.
Comment: This sequence change replaces alanine, which is neutral and non-polar, with threonine, which is neutral and polar, at codon 308 of the ZMYND10 protein (p.Ala308Thr). This variant is not present in population databases (gnomAD no frequency). This variant has not been reported in the literature in individuals affected with ZMYND10-related conditions. ClinVar contains an entry for this variant (Variation ID: 658148). Invitae Evidence Modeling of protein sequence and biophysical properties (such as structural, functional, and spatial information, amino acid conservation, physicochemical variation, residue mobility, and thermodynamic stability) indicates that this missense variant is not expected to disrupt ZMYND10 protein function with a negative predictive value of 80%. In summary, the available evidence is currently insufficient to determine the role of this variant in disease. Therefore, it has been classified as a Variant of Uncertain Significance.

Ambry Genetics
Classification: Uncertain significance for Inborn genetic diseases. Last evaluated: 2021-07-21. Review status: criteria provided, single submitter. Criteria: Ambry Variant Classification Scheme 2023. Collection method: clinical testing. Allele origin: germline.

Breakthrough Genomics
Classification: Uncertain significance. Review status: criteria provided, single submitter. Criteria: ACMG Guidelines, 2015. Collection method: not provided. Allele origin: germline. Inheritance: Autosomal recessive inheritance. Affected: yes.

NM_015896.4(ZMYND10):c.922G>A (p.Ala308Thr)

Gene: ZMYND10 (zinc finger MYND-type containing 10; minus strand). Cytogenetic location: 3p21.31.
Variant type: single nucleotide variant.
Coding change: c.922G>A on transcript NM_015896.4 (MANE Select); coding-DNA position 922, G replaced by A.
Protein change: p.Ala308Thr; replaces alanine 308 with threonine.
Molecular consequence: missense variant.
Genome position (GRCh38, 1-based): chr3:50,342,092, C>T on the plus strand (G>A on the coding strand, the complement: ZMYND10 is on the minus strand). VCF-style: chr3-50342092-C-T. GRCh37 (hg19) VCF-style: chr3-50379523-C-T.
Other names: c.907G>A, p.Ala303Thr (NM_001308379.2); short protein forms A303T, A308T.
Identifiers: ClinVar variation 658148 (VCV000658148.7), dbSNP rs762334244, ClinGen allele CA2417044.